The following is an entry in ClinVar:

ClinVar aggregate classification (germline): Pathogenic (1 of 4 stars; one submission).

Submission:

Quest Diagnostics Nichols Institute San Juan Capistrano
Classification: Pathogenic. Last evaluated: 2025-06-16. Review status: criteria provided, single submitter. Criteria: ACMG/ClinGen CNV Guidelines, 2019. Collection method: clinical testing. Allele origin: unknown.
Comment: This duplication overlaps the Prader-Willi/Angelman critical region associated with chromosome 15q11q13 microduplication syndrome (OMIM 608636; ISCA-37404; Lusk 2021, Isles 2016, Kalsner 2015, Song 2022). Thus, this CNV is classified as pathogenic. References: Isles et al., PLoS Genet. 2016 May 6;12(5):e1005993. PMID: 27153221 Kalsner et al., Pediatr Clin North Am. 2015 Jun;62(3):587-606. PMID: 26022164 Lusk et al. Maternal 15q Duplication Syndrome. GeneReviews [updated 2021 Jul 15]. PMID: 27308687 Song et al., Taiwan J Obstet Gynecol. 2022 Jul;61(4):717-721. PMID: 35779929

GRCh37/hg19 15q11.2-13.2(chr15:22770422-30386553)x4

Genes: PWAR5 (Prader Willi/Angelman region RNA 5; plus strand), PWAR6 (Prader Willi/Angelman region RNA 6; plus strand), PWARSN (Prader Willi/Angelman region RNA, SNRPN neighbor; plus strand), PWRN2 (Prader-Willi region non-protein coding RNA 2; minus strand), SNORD115-1 (small nucleolar RNA, C/D box 115-1; plus strand) and 29 more. Cytogenetic location: 15q11.2-13.2.
Variant type: copy number gain.
Change: copy number 4 of chr15:22,770,422-30,386,553 (7.62 Mb, GRCh37 coordinates, 1-based), cytogenetic band 15q11.2-13.2.
Identifiers: ClinVar variation 1808627 (VCV001808627.2).